The following is an entry in ClinVar:

NM_006922.4(SCN3A):c.121C>G (p.Gln41Glu)

Gene: SCN3A (sodium voltage-gated channel alpha subunit 3; minus strand). Cytogenetic location: 2q24.3.
Variant type: single nucleotide variant.
Coding change: c.121C>G on transcript NM_006922.4 (MANE Select); coding-DNA position 121, C replaced by G.
Protein change: p.Gln41Glu; replaces glutamine 41 with glutamic acid.
Molecular consequence: missense variant.
Genome position (GRCh38, 1-based): chr2:165,176,274, G>C on the plus strand (C>G on the coding strand, the complement: SCN3A is on the minus strand). VCF-style: chr2-165176274-G-C. GRCh37 (hg19) VCF-style: chr2-166032784-G-C.
Other names: c.121C>G, p.Gln41Glu (NM_001081676.2, NM_001081677.2); short protein forms Q41E.
Identifiers: ClinVar variation 663373 (VCV000663373.8), dbSNP rs1553539472, ClinGen allele CA349241026.

ClinVar aggregate classification (germline): Uncertain significance (1 of 4 stars; one submission).

Allele frequency attached by ClinVar (database versions not stated): gnomAD exomes below 0.00001.
gnomAD v4.1: 1 of 1,613,926 alleles (0.000062%); highest among the groups gnomAD compares: South Asian, 0.0011%; no homozygotes.

Submission:

Labcorp Genetics (formerly Invitae), Labcorp
Classification: Uncertain significance. Last evaluated: 2018-12-19. Review status: criteria provided, single submitter. Criteria: Invitae Variant Classification Sherloc (09022015). Collection method: clinical testing. Allele origin: germline.
Comment: This sequence change replaces glutamine with glutamic acid at codon 41 of the SCN3A protein (p.Gln41Glu). The glutamine residue is moderately conserved and there is a small physicochemical difference between glutamine and glutamic acid. This variant is not present in population databases (ExAC no frequency). This variant has not been reported in the literature in individuals with SCN3A-related disease. Algorithms developed to predict the effect of missense changes on protein structure and function (SIFT, PolyPhen-2, Align-GVGD) all suggest that this variant is likely to be tolerated, but these predictions have not been confirmed by published functional studies and their clinical significance is uncertain. In summary, the available evidence is currently insufficient to determine the role of this variant in disease. Therefore, it has been classified as a Variant of Uncertain Significance.